The following is an entry in ClinVar:

NM_001370466.1(NOD2):c.565+15T>C

Gene: NOD2 (nucleotide binding oligomerization domain containing 2; plus strand). Cytogenetic location: 16q12.1.
Variant type: single nucleotide variant.
Coding change: c.565+15T>C on transcript NM_001370466.1 (MANE Select); 15 bases into the intron after coding-DNA position 565, T replaced by C.
Molecular consequence: intron variant.
Genome position (GRCh38, 1-based): chr16:50,707,975, T>C. VCF-style: chr16-50707975-T-C. GRCh37 (hg19) VCF-style: chr16-50741886-T-C.
Other names: c.646+15T>C (LRG_177t1, NM_022162.3); c.565+15T>C (NM_001293557.2).
Identifiers: ClinVar variation 319433 (VCV000319433.18), dbSNP rs765487015, ClinGen allele CA8051344.

ClinVar aggregate classification (germline): Benign/Likely benign. Review status: criteria provided, multiple submitters, no conflicts (2 of 4 stars). 5 submissions from 4 submitters: Benign (3); Likely benign (2). Last evaluated 2026-01-23.

Conditions:
Blau syndrome (BLAUS). Also called: GRANULOMATOSIS, FAMILIAL JUVENILE SYSTEMIC; GRANULOMATOSIS, FAMILIAL, BLAU TYPE; GRANULOMATOUS INFLAMMATORY ARTHRITIS, DERMATITIS, AND UVEITIS, FAMILIAL; JABS SYNDROME; ARTHROCUTANEOUVEAL GRANULOMATOSIS. Identifiers: Orphanet 90340, MedGen C5201146, MONDO:0008523, OMIM 186580.
Regional enteritis. Also called: Enteritis, Granulomatous. Identifiers: MedGen C0678202, MeSH D003424.
Inflammatory bowel disease 1 (IBD1). Also called: INFLAMMATORY BOWEL DISEASE (CROHN DISEASE) 1; Inflammatory bowel disease 1, Crohn disease. Identifiers: MedGen CN260071, MONDO:0009960, OMIM 266600.

Allele frequency attached by ClinVar (database versions not stated): gnomAD exomes 0.00006 and 0.00035; gnomAD 0.00011; TOPMed 0.00018; ExAC 0.00034.
gnomAD v4.1: 97 of 1,555,166 alleles (0.0062%); highest among the groups gnomAD compares: East Asian, 0.21%; no homozygotes.

Submissions (5):

Women's Health and Genetics/Laboratory Corporation of America, LabCorp
Classification: Benign. Last evaluated: 2026-01-23. Review status: criteria provided, single submitter. Criteria: LabCorp Variant Classification Summary - May 2015. Collection method: clinical testing. Allele origin: germline.

Labcorp Genetics (formerly Invitae), Labcorp
Classification: Benign for Regional enteritis; Blau syndrome. Last evaluated: 2025-12-22. Review status: criteria provided, single submitter. Criteria: Invitae Variant Classification Sherloc (09022015). Collection method: clinical testing. Allele origin: germline.

Blueprint Genetics
Classification: Likely benign. Last evaluated: 2024-09-23. Review status: criteria provided, single submitter. Criteria: ACMG Guidelines, 2015. Collection method: clinical testing. Allele origin: germline.

Illumina Laboratory Services, Illumina
Classification: Benign for Blau syndrome. Last evaluated: 2018-01-13. Review status: criteria provided, single submitter. Criteria: ICSL Variant Classification Criteria 13 December 2019. Collection method: clinical testing. Allele origin: germline.
Comment: This variant was observed in the ICSL laboratory as part of a predisposition screen in an ostensibly healthy population. It had not been previously curated by ICSL or reported in the Human Gene Mutation Database (HGMD: prior to June 1st, 2018), and was therefore a candidate for classification through an automated scoring system. Utilizing variant allele frequency, disease prevalence and penetrance estimates, and inheritance mode, an automated score was calculated to assess if this variant is too frequent to cause the disease. Based on the score and internal cut-off values, a variant classified as benign is not then subjected to further curation. The score for this variant resulted in a classification of benign for this disease.

Illumina Laboratory Services, Illumina
Classification: Likely benign for Inflammatory bowel disease 1. Last evaluated: 2018-01-13. Review status: criteria provided, single submitter. Criteria: ICSL Variant Classification Criteria 13 December 2019. Collection method: clinical testing. Allele origin: germline.
Comment: This variant was observed in the ICSL laboratory as part of a predisposition screen in an ostensibly healthy population. It had not been previously curated by ICSL or reported in the Human Gene Mutation Database (HGMD: prior to June 1st, 2018), and was therefore a candidate for classification through an automated scoring system. Utilizing variant allele frequency, disease prevalence and penetrance estimates, and inheritance mode, an automated score was calculated to assess if this variant is too frequent to cause the disease. Based on the score and internal cut-off values, a variant classified as likely benign is not then subjected to further curation. The score for this variant resulted in a classification of likely benign for this disease.